The following is an entry in ClinVar:

ClinVar aggregate classification (germline): Likely benign (1 of 4 stars; one submission).

Allele frequency attached by ClinVar (database versions not stated): gnomAD 0.00001; gnomAD exomes 0.00002.
gnomAD v4.1: 13 of 1,603,782 alleles (0.00081%); highest among the groups gnomAD compares: Middle Eastern, 0.15%; 1 homozygote.

Submission:

CeGaT Center for Human Genetics Tuebingen
Classification: Likely benign. Last evaluated: 2024-02-01. Review status: criteria provided, single submitter. Criteria: CeGaT Center For Human Genetics Tuebingen Variant Classification Criteria Version 2. Collection method: clinical testing. Allele origin: germline. Affected: yes. Observed: 1 variant allele.
Comment: CAST: BP4, BP7

NM_001750.7(CAST):c.1956T>C (p.Asp652=)

Genes: CAST (calpastatin; plus strand), ERAP1 (endoplasmic reticulum aminopeptidase 1; minus strand). Cytogenetic location: 5q15.
Variant type: single nucleotide variant.
Coding change: c.1956T>C on transcript NM_001750.7 (MANE Select); coding-DNA position 1956, T replaced by C.
Protein change: p.Asp652=; no amino-acid change (aspartic acid 652 retained).
Molecular consequence: synonymous variant. On other transcripts: non-coding transcript variant (1), intron variant (2).
Genome position (GRCh38, 1-based): chr5:96,765,244, T>C. VCF-style: chr5-96765244-T-C. GRCh37 (hg19) VCF-style: chr5-96100948-T-C.
Other names: c.1899T>C, p.Asp633= (NM_001042441.3); c.1890T>C, p.Asp630= (NM_001042442.3); c.1707T>C, p.Asp569= (NM_001042443.3, NM_001423250.1); c.1584T>C, p.Asp528= (NM_001042444.3); c.1602T>C, p.Asp534= (NM_001042445.3, NM_001423255.1, NM_001423256.1 and 2 more transcripts); c.1545T>C, p.Asp515= (NM_001042446.3, NM_001423260.1); c.1668T>C, p.Asp556= (NM_001190442.2, NM_001330631.2, NM_001423251.1 and 1 more transcripts); c.1581T>C, p.Asp527= (NM_001284212.4); and 14 more.
Identifiers: ClinVar variation 3024666 (VCV003024666.20), dbSNP rs866299479, ClinGen allele CA122979148.